The following is an entry in ClinVar:

NM_000061.3(BTK):c.228_231del (p.Glu76fs)

Gene: BTK (Bruton tyrosine kinase; minus strand). Cytogenetic location: Xq22.1.
Variant type: Deletion.
Coding change: c.228_231del on transcript NM_000061.3 (MANE Select); coding-DNA positions 228 to 231, 4 bases deleted (AAGA; older notation c.228_231delAAGA).
Protein change: p.Glu76fs; shifts the reading frame from glutamic acid 76.
Molecular consequence: frameshift variant.
Genome position (GRCh38, 1-based): chrX:101,374,545-101,374,548, TCTT deleted on the plus strand (AAGA on the coding strand, the reverse complement: BTK is on the minus strand); deleting any 4 consecutive bases within chrX:101,374,545-101,374,551 gives the same sequence; the c. name uses the placement nearest the transcript's 3' end. VCF-style (leftmost placement, unchanged base first): chrX-101374544-GTCTT-G. GRCh37 (hg19) VCF-style: chrX-100629532-GTCTT-G.
Other names: c.228_231delAAGA (NM_000061.2); c.330_333del, p.Glu110fs (NM_001287344.2); c.228_231del, p.Glu76fs (NM_001287345.2); short protein forms E76fs, E110fs.
Identifiers: ClinVar variation 11352 (VCV000011352.3), dbSNP rs864321660, ClinGen allele CA341084.

ClinVar aggregate classification (germline): Pathogenic. Review status: criteria provided, single submitter (1 of 4 stars). 2 submissions from 2 submitters: Pathogenic (1). 1 of the submissions does not count toward it. Last evaluated 2024-08-12.

Conditions:
X-linked agammaglobulinemia (XLA). Also called: Agammaglobulinemia, Bruton tyrosine kinase; Agammaglobulinemia, BTK; BTK-deficiency; IMMUNODEFICIENCY 1; Bruton's agammaglobulinemia; AGAMMAGLOBULINEMIA, X-LINKED, TYPE 1. Identifiers: Orphanet 229717, Orphanet 47, MedGen C0221026, MONDO:0010421, OMIM 300755.
X-linked agammaglobulinemia with growth hormone deficiency (IGHD3). Also called: ISOLATED GROWTH HORMONE DEFICIENCY, TYPE III, WITH AGAMMAGLOBULINEMIA; AGAMMAGLOBULINEMIA AND ISOLATED GROWTH HORMONE DEFICIENCY, X-LINKED; FLEISHER SYNDROME; HYPOGAMMAGLOBULINEMIA AND ISOLATED GROWTH HORMONE DEFICIENCY, X-LINKED; IGHD III; Isolated growth hormone deficiency type 3. Identifiers: Orphanet 231692, Orphanet 631, MedGen C0472813, MONDO:0010615, OMIM 307200.

Submissions (2):

Labcorp Genetics (formerly Invitae), Labcorp
Classification: Pathogenic for X-linked agammaglobulinemia with growth hormone deficiency. Last evaluated: 2024-08-12. Review status: criteria provided, single submitter. Criteria: Invitae Variant Classification Sherloc (09022015). Collection method: clinical testing. Allele origin: germline.
Comment: This sequence change creates a premature translational stop signal (p.Glu76Aspfs*44) in the BTK gene. It is expected to result in an absent or disrupted protein product. Loss-of-function variants in BTK are known to be pathogenic (PMID: 15661032, 16862044, 19419768). This variant is not present in population databases (gnomAD no frequency). This premature translational stop signal has been observed in individual(s) with BTK-related conditions (PMID: 8938104, 9545398). ClinVar contains an entry for this variant (Variation ID: 11352). For these reasons, this variant has been classified as Pathogenic.

OMIM
Classification: Pathogenic for AGAMMAGLOBULINEMIA, X-LINKED. Last evaluated: 1994-10-01. Review status: no assertion criteria provided. Collection method: literature only. Allele origin: germline. Not counted in ClinVar's aggregate classification.

Literature cited by the submitters: PubMed 15661032 (cited by Labcorp Genetics (formerly Invitae), Labcorp); PubMed 16862044 (cited by Labcorp Genetics (formerly Invitae), Labcorp); PubMed 19419768 (cited by Labcorp Genetics (formerly Invitae), Labcorp); PubMed 8938104 (cited by Labcorp Genetics (formerly Invitae), Labcorp); PubMed 9545398 (cited by Labcorp Genetics (formerly Invitae), Labcorp); PubMed 7849697 (cited by OMIM).